The following is an entry in ClinVar:

ClinVar aggregate classification (germline): Pathogenic (1 of 4 stars; one submission).

Submission:

Labcorp Genetics (formerly Invitae), Labcorp
Classification: Pathogenic. Last evaluated: 2023-12-04. Review status: criteria provided, single submitter. Criteria: Invitae Variant Classification Sherloc (09022015). Collection method: clinical testing. Allele origin: unknown.
Comment: A gross deletion of the genomic region encompassing the full coding sequence of the SPART gene has been identified. Loss-of-function variants in SPART are known to be pathogenic (PMID: 18413476, 20437587, 20504295). The boundaries of this event are unknown as they extend beyond the assayed region for this gene and therefore may encompass additional genes. This variant has not been reported in the literature in individuals affected with SPART-related conditions. For these reasons, this variant has been classified as Pathogenic.

Literature cited by the submitters: PubMed 18413476; PubMed 20437587; PubMed 20504295.

NC_000013.10:g.(?_36878502)_(36909967_?)del

Gene: SPART (spartin; minus strand). Cytogenetic location: 13q13.3.
Variant type: Deletion.
Identifiers: ClinVar variation 3244218 (VCV003244218.1).